The following is an entry in ClinVar:

ClinVar aggregate classification (germline): Conflicting classifications of pathogenicity. Review status: criteria provided, conflicting classifications (1 of 4 stars). 2 submissions from 2 submitters: Uncertain significance (1); Likely benign (1). Last evaluated 2025-08-10.

Conditions:
Hereditary breast ovarian cancer syndrome. Also called: Hereditary breast and/or ovarian cancer syndrome; Hereditary breast and ovarian cancer syndrome; Hereditary breast and ovarian cancer; Hereditary breast and ovarian cancer syndrome (HBOC); Breast and ovarian cancer; BRCA1- and BRCA2-Associated Hereditary Breast and Ovarian Cancer. Identifiers: Orphanet 145, MedGen C0677776, MeSH D061325, MONDO:0003582. Disease mechanism: loss of function.
Hereditary cancer-predisposing syndrome. Also called: Hereditary neoplastic syndrome; Neoplastic Syndromes, Hereditary; Tumor predisposition; Hereditary Cancer Syndrome. Identifiers: Orphanet 140162, MedGen C0027672, MeSH D009386, MONDO:0015356.

Allele frequency attached by ClinVar (database versions not stated): gnomAD exomes below 0.00001.
gnomAD v4.1: 1 of 1,614,218 alleles (0.000062%); highest among the groups gnomAD compares: Non-Finnish European, 0.000085%; no homozygotes.

Submissions (2):

Labcorp Genetics (formerly Invitae), Labcorp
Classification: Uncertain significance for Hereditary breast ovarian cancer syndrome. Last evaluated: 2025-08-10. Review status: criteria provided, single submitter. Criteria: Invitae Variant Classification Sherloc (09022015). Collection method: clinical testing. Allele origin: germline.
Comment: This sequence change replaces asparagine, which is neutral and polar, with serine, which is neutral and polar, at codon 1309 of the BRCA1 protein (p.Asn1309Ser). This variant is not present in population databases (gnomAD no frequency). This variant has not been reported in the literature in individuals affected with BRCA1-related conditions. ClinVar contains an entry for this variant (Variation ID: 942423). Invitae Evidence Modeling of protein sequence and biophysical properties (such as structural, functional, and spatial information, amino acid conservation, physicochemical variation, residue mobility, and thermodynamic stability) indicates that this missense variant is expected to disrupt BRCA1 protein function with a positive predictive value of 80%. In summary, the available evidence is currently insufficient to determine the role of this variant in disease. Therefore, it has been classified as a Variant of Uncertain Significance.

University of Washington Department of Laboratory Medicine, University of Washington
Classification: Likely benign for Hereditary cancer-predisposing syndrome. Last evaluated: 2023-03-23. Review status: criteria provided, single submitter. Criteria: Dines et al. (Genet Med. 2020). Collection method: curation. Allele origin: germline.
Comment: Missense variant in a coldspot region where missense variants are very unlikely to be pathogenic (PMID:31911673).

BRCA1 coldspot (exon 11 using historical exon numbering). Reclassification based on statistical prior probability

NM_007294.4(BRCA1):c.3926A>G (p.Asn1309Ser)

Genes: BRCA1 (BRCA1 DNA repair associated; minus strand), LOC126862571 (BRD4-independent group 4 enhancer GRCh37_chr17:41243136-41244335; plus strand). Cytogenetic location: 17q21.31.
Variant type: single nucleotide variant.
Coding change: c.3926A>G on transcript NM_007294.4 (MANE Select); coding-DNA position 3926, A replaced by G.
Protein change: p.Asn1309Ser; replaces asparagine 1309 with serine.
Molecular consequence: missense variant. On other transcripts: intron variant (135).
Genome position (GRCh38, 1-based): chr17:43,091,605, T>C on the plus strand (A>G on the coding strand, the complement: BRCA1 is on the minus strand). VCF-style: chr17-43091605-T-C. GRCh37 (hg19) VCF-style: chr17-41243622-T-C.
Other names: c.785-573A>G (NM_001407992.1, NM_001408400.1, NM_001408392.1 and 13 more transcripts); c.665-573A>G (NM_001408440.1, NM_001408428.1, NM_001408441.1 and 12 more transcripts); c.671-573A>G (NM_001408418.1, NM_001408423.1, NM_001408420.1 and 2 more transcripts); c.788-573A>G (NM_001407981.1, NM_007298.4, NM_001407978.1 and 17 more transcripts); c.644-573A>G (NM_001408462.1, NM_001408470.1, NM_001408464.1 and 3 more transcripts); c.710-573A>G (NM_001408414.1, NM_001408411.1, NM_001408415.1 and 2 more transcripts); c.578-573A>G (NM_001408514.1, NM_001408485.1, NM_001408483.1 and 9 more transcripts); c.662-573A>G (NM_001408447.1, NM_001408433.1, NM_001408446.1 and 6 more transcripts); and 41 more; short protein forms N1262S, N1309S, N1181S, N1182S, N1242S, N1267S, N1268S, N1282S.
Identifiers: ClinVar variation 942423 (VCV000942423.13), dbSNP rs2053499342, ClinGen allele CA10594108.